The following is an entry in ClinVar:

ClinVar aggregate classification (germline): Likely pathogenic (1 of 4 stars; one submission).

Conditions:
Hereditary cancer-predisposing syndrome. Also called: Neoplastic Syndromes, Hereditary; Tumor predisposition; Hereditary Cancer Syndrome; Hereditary neoplastic syndrome. Identifiers: Orphanet 140162, MedGen C0027672, MeSH D009386, MONDO:0015356.

Submissions (2):

Ambry Genetics
Classification: Likely pathogenic for Hereditary cancer-predisposing syndrome. Last evaluated: 2019-03-01. Review status: criteria provided, single submitter. Criteria: Ambry Variant Classification Scheme 2023. Collection method: clinical testing. Allele origin: germline.
Comment: The c.5467G>C variant (also known as p.A1823P), located in coding exon 21 of the BRCA1 gene, results from a G to C substitution at nucleotide position 5467. The amino acid change results in alanine to proline at codon 1823, an amino acid with highly similar properties. However, this change occurs in the last base pair of coding exon 21, which makes it likely to have some effect on normal mRNA splicing. This nucleotide position is highly conserved in available vertebrate species. Using the BDGP and ESEfinder splice site prediction tools, this alteration is predicted to weaken the efficiency of the native splice donor site; however, direct evidence is unavailable. One functional study found that this nucleotide substitution is deleterious in a high throughput genome editing haploid cell survival assay (Findlay GM et al. Nature, 2018 10;562:217-222). In addition, the in silico prediction for this alteration is inconclusive. Based on the majority of available evidence to date, this variant is likely to be pathogenic.

Brotman Baty Institute, University of Washington
No classification provided (evidence only). Condition: Breast-ovarian cancer, familial 1. Review status: no classification provided. Collection method: in vitro. Allele origin: not applicable. Functional consequence: functionally_abnormal. Not counted in ClinVar's aggregate classification.
ClinVar note: "not provided" was previously submitted as the classification for the variant. However, the classification appeared to be based only on an observation of functional data so it was converted to no classification on 2025-07-30.

Literature cited by the submitters: PubMed 30209399 (cited by Ambry Genetics).

NM_007294.4(BRCA1):c.5467G>C (p.Ala1823Pro)

Gene: BRCA1 (BRCA1 DNA repair associated; minus strand). Cytogenetic location: 17q21.31.
Variant type: single nucleotide variant.
Coding change: c.5467G>C on transcript NM_007294.4 (MANE Select); coding-DNA position 5467, G replaced by C.
Protein change: p.Ala1823Pro; replaces alanine 1823 with proline.
Molecular consequence: missense variant. On other transcripts: non-coding transcript variant (1).
Genome position (GRCh38, 1-based): chr17:43,047,643, C>G on the plus strand (G>C on the coding strand, the complement: BRCA1 is on the minus strand). VCF-style: chr17-43047643-C-G. GRCh37 (hg19) VCF-style: chr17-41199660-C-G.
Other names: c.5464G>C, p.Ala1822Pro (NM_001407623.1, NM_001407624.1, NM_001407625.1 and 14 more transcripts); c.5461G>C, p.Ala1821Pro (NM_001407627.1, NM_001407628.1, NM_001407629.1 and 13 more transcripts); c.5458G>C, p.Ala1820Pro (NM_001407644.1, NM_001407645.1); c.5455G>C, p.Ala1819Pro (NM_001407646.1); c.5452G>C, p.Ala1818Pro (NM_001407647.1); c.5410G>C, p.Ala1804Pro (NM_001407648.1); c.5407G>C, p.Ala1803Pro (NM_001407649.1); c.5389G>C, p.Ala1797Pro (NM_001407652.1, NM_001407653.1, NM_001407654.1 and 1 more transcripts); and 83 more; short protein forms A1844P, A719P, C694S, A1823P, A1776P, A1654P, A1669P, A1711P.
Identifiers: ClinVar variation 868921 (VCV000868921.5), dbSNP rs80357212, ClinGen allele CA10590418.